The following is an entry in ClinVar:

NM_181882.3(PRX):c.2681T>A (p.Val894Glu)

Gene: PRX (periaxin; minus strand). Cytogenetic location: 19q13.2.
Variant type: single nucleotide variant.
Coding change: c.2681T>A on transcript NM_181882.3 (MANE Select); coding-DNA position 2681, T replaced by A.
Protein change: p.Val894Glu; replaces valine 894 with glutamic acid.
Molecular consequence: missense variant. On other transcripts: 3 prime UTR variant (1).
Genome position (GRCh38, 1-based): chr19:40,395,671, A>T on the plus strand (T>A on the coding strand, the complement: PRX is on the minus strand). VCF-style: chr19-40395671-A-T. GRCh37 (hg19) VCF-style: chr19-40901578-A-T.
Other names: c.*2886T>A (NM_020956.2); short protein forms V894E.
Identifiers: ClinVar variation 450352 (VCV000450352.2), dbSNP rs778360076, ClinGen allele CA9444002.

ClinVar aggregate classification (germline): Uncertain significance (1 of 4 stars; one submission).

Allele frequency attached by ClinVar (database versions not stated): ExAC 0.00006; TOPMed 0.00001 and 0.00002; gnomAD 0.00006 and 0.00001; gnomAD exomes 0.00004.

Submission:

GeneDx
Classification: Uncertain significance. Last evaluated: 2017-07-19. Review status: criteria provided, single submitter. Criteria: GeneDx Variant Classification (06012015). Collection method: clinical testing. Allele origin: germline. Affected: yes.
Comment: A variant of uncertain significance has been identified in the PRX gene. The V894E variant has not been published as a pathogenic variant, nor has it been reported as a benign variant to our knowledge. The V894E variant is observed in 7/8654 (0.1%) alleles from individuals of East Asian background (Lek et al., 2016; 1000 Genomes Consortium et al., 2015; Exome Variant Server). The V894E variant is a non-conservative amino acid substitution, which is likely to impact secondary protein structure as these residues differ in polarity, charge, size and/or other properties. However, this substitution occurs at a position that is not conserved. In silico analysis is inconsistent in its predictions as to whether or not the variant is damaging to the protein structure/function. Therefore, based on the currently available information, it is unclear whether this variant is a pathogenic variant or a rare benign variant.